The following is an entry in ClinVar:

NM_000038.6(APC):c.4081C>A (p.Pro1361Thr)

Gene: APC (APC regulator of Wnt signaling pathway; plus strand). Cytogenetic location: 5q22.2.
Variant type: single nucleotide variant.
Coding change: c.4081C>A on transcript NM_000038.6 (MANE Select); coding-DNA position 4081, C replaced by A.
Protein change: p.Pro1361Thr; replaces proline 1361 with threonine.
Molecular consequence: missense variant. On other transcripts: non-coding transcript variant (2).
Genome position (GRCh38, 1-based): chr5:112,839,675, C>A. VCF-style: chr5-112839675-C-A. GRCh37 (hg19) VCF-style: chr5-112175372-C-A.
Other names: c.4081C>A, p.Pro1361Thr (NM_001127510.3, NM_001354895.2, NM_001407450.1); c.4027C>A, p.Pro1343Thr (NM_001127511.3); c.4135C>A, p.Pro1379Thr (NM_001354896.2, NM_001407447.1, NM_001407448.1 and 1 more transcripts); c.4111C>A, p.Pro1371Thr (NM_001354897.2); c.4006C>A, p.Pro1336Thr (NM_001354898.2); c.3997C>A, p.Pro1333Thr (NM_001354899.2); c.3958C>A, p.Pro1320Thr (NM_001354900.2); c.3904C>A, p.Pro1302Thr (NM_001354901.2, NM_001407453.1); and 11 more; short protein forms P1078T, P1333T, P977T, P1232T, P1260T, P1343T, P1354T, P1361T.
Identifiers: ClinVar variation 2816051 (VCV002816051.3), dbSNP rs2149905923, ClinGen allele CA16030269.

ClinVar aggregate classification (germline): Uncertain significance (1 of 4 stars; one submission).

Conditions:
Familial adenomatous polyposis 1 (FAP1). Also called: FAMILIAL ADENOMATOUS POLYPOSIS 1, ATTENUATED; POLYPOSIS, ADENOMATOUS INTESTINAL. Identifiers: MedGen C2713442, MONDO:0021056, OMIM 175100. Disease mechanism: loss of function.

Submission:

Labcorp Genetics (formerly Invitae), Labcorp
Classification: Uncertain significance for Familial adenomatous polyposis 1. Last evaluated: 2022-11-23. Review status: criteria provided, single submitter. Criteria: Invitae Variant Classification Sherloc (09022015). Collection method: clinical testing. Allele origin: germline.
Comment: In summary, the available evidence is currently insufficient to determine the role of this variant in disease. Therefore, it has been classified as a Variant of Uncertain Significance. Advanced modeling of protein sequence and biophysical properties (such as structural, functional, and spatial information, amino acid conservation, physicochemical variation, residue mobility, and thermodynamic stability) performed at Invitae indicates that this missense variant is not expected to disrupt APC protein function. This variant has not been reported in the literature in individuals affected with APC-related conditions. This variant is not present in population databases (gnomAD no frequency). This sequence change replaces proline, which is neutral and non-polar, with threonine, which is neutral and polar, at codon 1361 of the APC protein (p.Pro1361Thr).